The following is an entry in ClinVar:

NM_001029883.3(PCARE):c.3026G>A (p.Arg1009His)

Gene: PCARE (photoreceptor cilium actin regulator; minus strand). Cytogenetic location: 2p23.2.
Variant type: single nucleotide variant.
Coding change: c.3026G>A on transcript NM_001029883.3 (MANE Select); coding-DNA position 3026, G replaced by A.
Protein change: p.Arg1009His; replaces arginine 1009 with histidine.
Molecular consequence: missense variant.
Genome position (GRCh38, 1-based): chr2:29,071,236, C>T on the plus strand (G>A on the coding strand, the complement: PCARE is on the minus strand). VCF-style: chr2-29071236-C-T. GRCh37 (hg19) VCF-style: chr2-29294102-C-T.
Other names: short protein forms R1009H.
Identifiers: ClinVar variation 1050932 (VCV001050932.9), dbSNP rs200394246, ClinGen allele CA1592048.
Genomic context (GRCh38, chr2:29,071,236, plus strand): 5'-GGCGTCTGCACAGCAGAGGGGCTTGGCTGGGCAGGTCTGTAAGAGGAGGGAAGGCTCCGG[C>T]GCCTCTTGTCTGCTTGAGGCACCCAGTGTGTCCTCGTGGGAGAGGCCTTTCTGCCCACAG-3'
Protein context (NP_001025054.1, residues 999-1019): THWVPQADKR[Arg1009His]RSLPSSYRPA

ClinVar aggregate classification (germline): Uncertain significance (1 of 4 stars; one submission).

Allele frequency attached by ClinVar (database versions not stated): gnomAD 0.00001 and 0.00002; ExAC 0.00002; gnomAD exomes 0.00002; TOPMed 0.00002; 1000 Genomes Project 0.00020; 1000 Genomes Project 30x 0.00031.

Submission:

Labcorp Genetics (formerly Invitae), Labcorp
Classification: Uncertain significance. Last evaluated: 2024-10-23. Review status: criteria provided, single submitter. Criteria: Invitae Variant Classification Sherloc (09022015). Collection method: clinical testing. Allele origin: germline.
Comment: This sequence change replaces arginine, which is basic and polar, with histidine, which is basic and polar, at codon 1009 of the PCARE protein (p.Arg1009His). This variant is present in population databases (rs200394246, gnomAD 0.004%). This variant has not been reported in the literature in individuals affected with PCARE-related conditions. ClinVar contains an entry for this variant (Variation ID: 1050932). An algorithm developed to predict the effect of missense changes on protein structure and function outputs the following: PolyPhen-2: "Benign". The histidine amino acid residue is found in multiple mammalian species, which suggests that this missense change does not adversely affect protein function. In summary, the available evidence is currently insufficient to determine the role of this variant in disease. Therefore, it has been classified as a Variant of Uncertain Significance.